The following is an entry in ClinVar:

NC_000003.11:g.(?_58132525)_(58134500_?)del

Gene: FLNB (filamin B; plus strand). Cytogenetic location: 3p14.3.
Variant type: Deletion.
Identifiers: ClinVar variation 2424176 (VCV002424176.4).

ClinVar aggregate classification (germline): Likely pathogenic (1 of 4 stars; one submission).

Submission:

Labcorp Genetics (formerly Invitae), Labcorp
Classification: Likely pathogenic. Last evaluated: 2022-06-23. Review status: criteria provided, single submitter. Criteria: Invitae Variant Classification Sherloc (09022015). Collection method: clinical testing. Allele origin: germline.
Comment: In summary, the currently available evidence indicates that the variant is pathogenic, but additional data are needed to prove that conclusively. Therefore, this variant has been classified as Likely Pathogenic. This variant has not been reported in the literature in individuals affected with FLNB-related conditions. This variant results in the deletion of exons 34-35 and part of exon 36 (c.5555-22_6012del) of the FLNB gene. It is expected to disrupt RNA splicing. Variants that disrupt the donor or acceptor splice site typically lead to a loss of protein function (PMID: 16199547), and loss-of-function variants in FLNB are known to be pathogenic (PMID: 14991055).

Literature cited by the submitters: PubMed 16199547; PubMed 14991055.